The following is an entry in ClinVar:

ClinVar aggregate classification (germline): Likely pathogenic. Review status: criteria provided, single submitter (1 of 4 stars). 2 submissions from 2 submitters: Likely pathogenic (1). 1 of the submissions does not count toward it. Last evaluated 2024-02-10.

Conditions:
Isolated thyroid-stimulating hormone deficiency. Also called: Thyroid-stimulating hormone, deficiency of; Hypothryoidism, congenital, nongoitrous 4; THYROID-STIMULATING HORMONE DEFICIENCY; THYROTROPIN DEFICIENCY, ISOLATED; TSH DEFICIENCY; PITUITARY CRETINISM. Identifiers: Orphanet 90674, MedGen C0271789, MONDO:0010139, OMIM 275100.

Submissions (2):

Fulgent Genetics
Classification: Likely pathogenic for Isolated thyroid-stimulating hormone deficiency. Last evaluated: 2024-02-10. Review status: criteria provided, single submitter. Criteria: ACMG Guidelines, 2015. Collection method: clinical testing. Allele origin: germline.

Department of Clinical Genetics and Genetic Counseling, Mediscan Systems
Classification: Pathogenic for Isolated thyroid-stimulating hormone deficiency. Review status: no assertion criteria provided. Collection method: clinical testing. Allele origin: germline. Inheritance: Autosomal recessive inheritance. Affected: yes. Observed: 1 variant allele, 1 homozygote. Not counted in ClinVar's aggregate classification.
Comment: The p.Ala37LeufsX38 mutation is not reported in the literature so far, however it causes a frameshift and a premature stop codon therefore this mutation is expected to reveal a complete loss of function.

Literature cited by the submitters: PubMed 17287585 (cited by Department of Clinical Genetics and Genetic Counseling, Mediscan Systems).

NM_000549.5(TSHB):c.108_109del (p.Ala37fs)

Gene: TSHB (thyroid stimulating hormone subunit beta; plus strand). Cytogenetic location: 1p13.2.
Variant type: Microsatellite.
Coding change: c.108_109del on transcript NM_000549.5 (MANE Select); coding-DNA positions 108 to 109, 2 bases deleted (TG; older notation c.108_109delTG).
Protein change: p.Ala37fs; shifts the reading frame from alanine 37.
Molecular consequence: frameshift variant.
Genome position (GRCh38, 1-based): chr1:115,033,470-115,033,471, TG deleted; deleting any 2 consecutive bases within chr1:115,033,467-115,033,471 gives the same sequence; the c. name uses the placement nearest the transcript's 3' end. VCF-style (leftmost placement, unchanged base first): chr1-115033466-AGT-A. GRCh37 (hg19) VCF-style: chr1-115576087-AGT-A.
Other names: short protein forms A37fs.
Identifiers: ClinVar variation 1048762 (VCV001048762.4), dbSNP rs2101008674, ClinGen allele CA2580611475.
Genomic context (GRCh38, chr1:115,033,466, plus strand): 5'-GTGGGCAAGCGATGTCTTTTTGTATTCCAACTGAGTATACAATGCACATCGAAAGGAGAG[AGT>A]GTGCTTATTGCCTAACCATCAACACCACCATCTGTGCTGGATATTGTATGACACGGGTAT-3'